The following is an entry in ClinVar:

ClinVar aggregate classification (germline): Likely benign. Review status: criteria provided, multiple submitters, no conflicts (2 of 4 stars). 2 submissions from 2 submitters: Likely benign (2). Last evaluated 2026-04-01.

Allele frequency attached by ClinVar (database versions not stated): TOPMed 0.00009; ExAC 0.00010; gnomAD 0.00010 and 0.00011; gnomAD exomes 0.00010; ESP Exome Variant Server 0.00015.
gnomAD v4.1: 253 of 1,614,010 alleles (0.016%); highest among the groups gnomAD compares: Non-Finnish European, 0.021%; no homozygotes.

Submissions (2):

CeGaT Center for Human Genetics Tuebingen
Classification: Likely benign. Last evaluated: 2026-04-01. Review status: criteria provided, single submitter. Criteria: CeGaT Center For Human Genetics Tuebingen Variant Classification Criteria Version 2. Collection method: clinical testing. Allele origin: germline. Affected: yes. Observed: 2 variant alleles.
Comment: CERT1: BP4, BP7

Labcorp Genetics (formerly Invitae), Labcorp
Classification: Likely benign. Last evaluated: 2018-07-12. Review status: criteria provided, single submitter. Criteria: Invitae Variant Classification Sherloc (09022015). Collection method: clinical testing. Allele origin: germline.

NM_001379029.1(CERT1):c.1722A>G (p.Leu574=)

Gene: CERT1 (ceramide transporter 1; minus strand). Cytogenetic location: 5q13.3.
Variant type: single nucleotide variant.
Coding change: c.1722A>G on transcript NM_001379029.1 (MANE Select); coding-DNA position 1722, A replaced by G.
Protein change: p.Leu574=; no amino-acid change (leucine 574 retained).
Molecular consequence: synonymous variant.
Genome position (GRCh38, 1-based): chr5:75,381,097, T>C on the plus strand (A>G on the coding strand, the complement: CERT1 is on the minus strand). VCF-style: chr5-75381097-T-C. GRCh37 (hg19) VCF-style: chr5-74676922-T-C.
Other names: c.2106A>G, p.Leu702= (NM_001130105.1); c.1722A>G, p.Leu574= (NM_001379002.1, NM_005713.3); c.1644A>G, p.Leu548= (NM_001379003.1, NM_001379004.1, NM_031361.3).
Identifiers: ClinVar variation 756393 (VCV000756393.27), dbSNP rs141459538, ClinGen allele CA3308950.
Genomic context (GRCh38, chr5:75,381,097, plus strand): 5'-ACATTATCAAAGAGCAAAAACAATAAAATACATACCATTAGCTACATATGTAATCTTGCA[T>C]AGAATGTTGTCCCTGCTAATTTCCTGGTTTCCCTCTGGTGGGCTTACCAAGGTTTGACAA-3'
Protein context (NP_001365958.1, residues 564-584): GNQEISRDNI[Leu574=]CKITYVANVN